The following is an entry in ClinVar:

ClinVar aggregate classification (germline): Pathogenic (1 of 4 stars; one submission).

Submission:

ISCA Site 6
Classification: Pathogenic. Last evaluated: 2011-08-12. Review status: criteria provided, single submitter. Criteria: Kaminsky et al. (Genet Med. 2011). Collection method: clinical testing. Allele origin: unknown. Affected: yes. Observed: 1 variant allele.
Comment: Copy number variation identified through the course of routine clinical cytogenomic testing in postnatal populations. Clinical assertions have been curated as described in Kaminsky et al. 2011.

GRCh38/hg38 Yp11.2-q11.221(chrY:2783624-13011793)x2

Genes: AMELY (amelogenin Y-linked; minus strand), DDX3Y (DEAD-box helicase 3 Y-linked; plus strand), FAM197Y1P (family with sequence similarity 197 Y-linked member 1, pseudogene), FAM197Y2 (family with sequence similarity 197 Y-linked member 2; minus strand), FAM197Y3 (family with sequence similarity 197 Y-linked member 3; minus strand) and 51 more. Cytogenetic location: Yp11.2-q11.221.
Variant type: copy number gain.
Change: copy number 2 of chrY:2,783,624-13,011,793 (10.23 Mb, GRCh38 coordinates, 1-based), cytogenetic band Yp11.2-q11.221.
Identifiers: ClinVar variation 58793 (VCV000058793.2).